The following is an entry in ClinVar:

ClinVar aggregate classification (germline): Pathogenic/Likely pathogenic. Review status: criteria provided, multiple submitters, no conflicts (2 of 4 stars). 5 submissions from 5 submitters: Pathogenic (3); Likely pathogenic (2). Last evaluated 2025-10-07.

Conditions:
Muscular dystrophy-dystroglycanopathy (congenital with brain and eye anomalies), type A1 (MDDGA1). Also called: Muscular dystrophy-dystroglycanopathy (congenital with brain and eye anomalies), type A, 1; WALKER-WARBURG SYNDROME OR MUSCLE-EYE-BRAIN DISEASE, POMT1-RELATED; Hydrocephalus, agyria and retinal dysplasia; Hard +/- E syndrome; Warburg syndrome; Chemke syndrome. Identifiers: Orphanet 588, Orphanet 899, MedGen C4284790, MONDO:0009364, OMIM 236670.
Dilated cardiomyopathy 1X (CMD1X). Also called: CARDIOMYOPATHY, DILATED, WITH MILD OR NO PROXIMAL MUSCLE WEAKNESS; FKTN-Related Dilated Cardiomyopathy. Identifiers: Orphanet 154, MedGen C1969024, MONDO:0012704, OMIM 611615.
Muscular dystrophy-dystroglycanopathy (congenital without impaired intellectual development), type B, 4. Also called: Muscular dystrophy-dystroglycanopathy (congenital without intellectual disability), type B4; MUSCULAR DYSTROPHY, CONGENITAL, FKTN-RELATED. Identifiers: MedGen C2751052, MONDO:0013156, OMIM 613152.
Autosomal recessive limb-girdle muscular dystrophy type 2M. Also called: MUSCULAR DYSTROPHY-DYSTROGLYCANOPATHY (LIMB-GIRDLE), TYPE C, 4; MUSCULAR DYSTROPHY, LIMB-GIRDLE, TYPE 2M. Identifiers: Orphanet 206554, MedGen C1969040, MONDO:0012699, OMIM 611588.
Muscular dystrophy-dystroglycanopathy (congenital with brain and eye anomalies), type A, 4 (MDDGA4). Also called: WALKER-WARBURG SYNDROME OR MUSCLE-EYE-BRAIN DISEASE, FKTN-RELATED; Congenital muscular dystrophy-dystroglycanopathy with brain and eye anomalies, type A4; Muscular dystrophy, congenital progressive, with mental retardation; Muscular dystrophy, congenital, with central nervous system involvement; Cerebromuscular dystrophy, Fukuyama type; Fukuyama congenital muscular dystrophy. Identifiers: Orphanet 272, Orphanet 588, Orphanet 899, MedGen C0410174, MONDO:0009678, OMIM 253800.
Walker-Warburg congenital muscular dystrophy. Also called: Muscular dystrophy-dystroglycanopathy, type A; Walker-Warburg syndrome. Identifiers: Orphanet 899, MedGen C0265221, MONDO:0000171.

Submissions (5):

Labcorp Genetics (formerly Invitae), Labcorp
Classification: Pathogenic for Walker-Warburg congenital muscular dystrophy. Last evaluated: 2025-10-07. Review status: criteria provided, single submitter. Criteria: Invitae Variant Classification Sherloc (09022015). Collection method: clinical testing. Allele origin: germline.
Comment: This sequence change creates a premature translational stop signal (p.Ser154Trpfs*3) in the FKTN gene. It is expected to result in an absent or disrupted protein product. Loss-of-function variants in FKTN are known to be pathogenic (PMID: 17044012, 17878207, 18752264). This variant is present in population databases (rs760731888, gnomAD 0.007%). This variant has not been reported in the literature in individuals affected with FKTN-related conditions. ClinVar contains an entry for this variant (Variation ID: 283622). For these reasons, this variant has been classified as Pathogenic.

Baylor Genetics
Classification: Likely pathogenic for Dilated cardiomyopathy 1X. Last evaluated: 2024-01-24. Review status: criteria provided, single submitter. Criteria: ACMG Guidelines, 2015. Collection method: clinical testing. Allele origin: unknown.

Fulgent Genetics
Classification: Likely pathogenic for Muscular dystrophy-dystroglycanopathy (congenital with brain and eye anomalies), type A1; Muscular dystrophy-dystroglycanopathy (congenital with brain and eye anomalies), type A, 4; Autosomal recessive limb-girdle muscular dystrophy type 2M; Dilated cardiomyopathy 1X; Muscular dystrophy-dystroglycanopathy (congenital without impaired intellectual development), type B, 4. Last evaluated: 2021-08-03. Review status: criteria provided, single submitter. Criteria: ACMG Guidelines, 2015. Collection method: clinical testing. Allele origin: unknown.

GeneDx
Classification: Pathogenic. Last evaluated: 2017-01-30. Review status: criteria provided, single submitter. Criteria: GeneDx Variant Classification (06012015). Collection method: clinical testing. Allele origin: germline. Affected: yes.
Comment: The c.456_457delAC pathogenic variant in the FKTN gene has not previously been reported to our knowledge. This variant causes a shift in reading frame starting at codon Serine 154, changing it to a Tryptophan, and creating a premature stop codon at position 3 of the new reading frame, denoted p.Ser154TrpfsX3. This pathogenic variant is expected to result in either an abnormal, truncated protein product or loss of protein from this allele through nonsense-mediated mRNA decay. Other downstream frameshift variants in the FKTN gene have been reported in Human Gene Mutation Database in association with FKTN-associated disorders (Stenson et al., 2014), indicating that loss of function is a mechanism of disease for this gene. Furthermore, the c.456_457delAC variant has not been observed at a significant frequency in large population cohorts (Lek et al., 2016; 1000 Genomes Consortium et al., 2015; Exome Variant Server).

Eurofins Ntd Llc (ga)
Classification: Pathogenic. Last evaluated: 2015-10-08. Review status: criteria provided, single submitter. Criteria: EGL Classification Definitions 2015. Collection method: clinical testing. Allele origin: germline. Observed: 1 variant allele, 1 heterozygote.

Literature cited by the submitters: PubMed 17044012 (cited by Labcorp Genetics (formerly Invitae), Labcorp); PubMed 17878207 (cited by Labcorp Genetics (formerly Invitae), Labcorp); PubMed 18752264 (cited by Labcorp Genetics (formerly Invitae), Labcorp).

NM_001079802.2(FKTN):c.456_457del (p.Ser154fs)

Gene: FKTN (fukutin; plus strand). Cytogenetic location: 9q31.2.
Variant type: Deletion.
Coding change: c.456_457del on transcript NM_001079802.2 (MANE Select); coding-DNA positions 456 to 457, 2 bases deleted (AC; older notation c.456_457delAC).
Protein change: p.Ser154fs; shifts the reading frame from serine 154.
Molecular consequence: frameshift variant. On other transcripts: non-coding transcript variant (2).
Genome position (GRCh38, 1-based): chr9:105,604,301-105,604,302, AC deleted; deleting any 2 consecutive bases within chr9:105,604,300-105,604,302 gives the same sequence; the c. name uses the placement nearest the transcript's 3' end. VCF-style (leftmost placement, unchanged base first): chr9-105604299-TCA-T. GRCh37 (hg19) VCF-style: chr9-108366580-TCA-T.
Other names: c.456_457del, p.Ser154fs (NM_001198963.2, NM_001351496.2, NM_001351498.2 and 1 more transcripts); c.387_388del, p.Ser131fs (NM_001351497.2); c.60_61del, p.Ser22fs (NM_001351499.2, NM_001351500.2, NM_001351501.2 and 1 more transcripts); c.456_457delAC (NM_001079802.1); short protein forms S131fs, S22fs, S154fs.
Identifiers: ClinVar variation 283622 (VCV000283622.14), dbSNP rs760731888, ClinGen allele CA5170418.